The following is an entry in ClinVar:

ClinVar aggregate classification (germline): Uncertain significance (1 of 4 stars; one submission).

Submission:

Ambry Genetics
Classification: Uncertain significance. Last evaluated: 2024-06-21. Review status: criteria provided, single submitter. Criteria: Ambry Variant Classification Scheme 2023. Collection method: clinical testing. Allele origin: germline.
Comment: The p.M326I variant (also known as c.978G>A), located in coding exon 4 of the MNDA gene, results from a G to A substitution at nucleotide position 978. The methionine at codon 326 is replaced by isoleucine, an amino acid with highly similar properties. This amino acid position is conserved. In addition, this alteration is predicted to be tolerated by in silico analysis. Based on the available evidence, the clinical significance of this variant remains unclear.

NM_002432.3(MNDA):c.978G>A (p.Met326Ile)

Gene: MNDA (myeloid cell nuclear differentiation antigen; plus strand). Cytogenetic location: 1q23.1.
Variant type: single nucleotide variant.
Coding change: c.978G>A on transcript NM_002432.3 (MANE Select); coding-DNA position 978, G replaced by A.
Protein change: p.Met326Ile; replaces methionine 326 with isoleucine.
Molecular consequence: missense variant.
Genome position (GRCh38, 1-based): chr1:158,845,994, G>A. VCF-style: chr1-158845994-G-A. GRCh37 (hg19) VCF-style: chr1-158815784-G-A.
Other names: short protein forms M326I.
Identifiers: ClinVar variation 3295461 (VCV003295461.1).